The following is an entry in ClinVar:

ClinVar aggregate classification (germline): Likely benign (1 of 4 stars; one submission).

gnomAD v4.1: 907 of 1,614,082 alleles (0.056%); highest among the groups gnomAD compares: Admixed American, 1.4%; 7 homozygotes.

Submission:

CeGaT Center for Human Genetics Tuebingen
Classification: Likely benign. Last evaluated: 2026-05-01. Review status: criteria provided, single submitter. Criteria: CeGaT Center For Human Genetics Tuebingen Variant Classification Criteria Version 2. Collection method: clinical testing. Allele origin: germline. Affected: yes. Observed: 2 variant alleles.
Comment: RACGAP1: BP4, BS1

NM_001319999.2(RACGAP1):c.1690A>G (p.Thr564Ala)

Gene: RACGAP1 (Rac GTPase activating protein 1; minus strand). Cytogenetic location: 12q13.12.
Variant type: single nucleotide variant.
Coding change: c.1690A>G on transcript NM_001319999.2 (MANE Select); coding-DNA position 1690, A replaced by G.
Protein change: p.Thr564Ala; replaces threonine 564 with alanine.
Molecular consequence: missense variant.
Genome position (GRCh38, 1-based): chr12:49,992,022, T>C on the plus strand (A>G on the coding strand, the complement: RACGAP1 is on the minus strand). VCF-style: chr12-49992022-T-C. GRCh37 (hg19) VCF-style: chr12-50385805-T-C.
Other names: c.1690A>G, p.Thr564Ala (NM_001126103.3, NM_001126104.3, NM_001320000.2 and 5 more transcripts); c.1516A>G, p.Thr506Ala (NM_001320005.2); c.1726A>G, p.Thr576Ala (NM_001320006.2); c.1468A>G, p.Thr490Ala (NM_001320007.2); short protein forms T490A, T506A, T564A, T576A.
Identifiers: ClinVar variation 4821031 (VCV004821031.4).